The following is an entry in ClinVar:

ClinVar aggregate classification (germline): Likely benign (1 of 4 stars; one submission).

Submission:

CeGaT Center for Human Genetics Tuebingen
Classification: Likely benign. Last evaluated: 2023-08-01. Review status: criteria provided, single submitter. Criteria: CeGaT Center For Human Genetics Tuebingen Variant Classification Criteria Version 2. Collection method: clinical testing. Allele origin: germline. Affected: yes. Observed: 1 variant allele.
Comment: NBEA: BP4, BP7

NM_001385012.1(NBEA):c.102T>G (p.Gly34=)

Gene: NBEA (neurobeachin; plus strand). Cytogenetic location: 13q13.3.
Variant type: single nucleotide variant.
Coding change: c.102T>G on transcript NM_001385012.1 (MANE Select); coding-DNA position 102, T replaced by G.
Protein change: p.Gly34=; no amino-acid change (glycine 34 retained).
Molecular consequence: synonymous variant.
Genome position (GRCh38, 1-based): chr13:34,942,922, T>G. VCF-style: chr13-34942922-T-G. GRCh37 (hg19) VCF-style: chr13-35517059-T-G.
Other names: c.102T>G, p.Gly34= (NM_001379245.1, NM_015678.5).
Identifiers: ClinVar variation 2643739 (VCV002643739.24), dbSNP rs767393352, ClinGen allele CA483425154.